The following is an entry in ClinVar:

NM_000135.4(FANCA):c.2259G>T (p.Met753Ile)

Gene: FANCA (FA complementation group A; minus strand). Cytogenetic location: 16q24.3.
Variant type: single nucleotide variant.
Coding change: c.2259G>T on transcript NM_000135.4 (MANE Select); coding-DNA position 2259, G replaced by T.
Protein change: p.Met753Ile; replaces methionine 753 with isoleucine.
Molecular consequence: missense variant.
Genome position (GRCh38, 1-based): chr16:89,770,223, C>A on the plus strand (G>T on the coding strand, the complement: FANCA is on the minus strand). VCF-style: chr16-89770223-C-A. GRCh37 (hg19) VCF-style: chr16-89836631-C-A.
Other names: c.2259G>T, p.Met753Ile (NM_001286167.3); short protein forms M753I.
Identifiers: ClinVar variation 3581510 (VCV003581510.2).

ClinVar aggregate classification (germline): Uncertain significance. Review status: criteria provided, multiple submitters, no conflicts (2 of 4 stars). 2 submissions from 2 submitters: Uncertain significance (2). Last evaluated 2026-05-01.

Conditions:
Inborn genetic diseases. Identifiers: MedGen C0950123, MeSH D030342.
Fanconi anemia complementation group A (FANCA). Also called: FANCA-Related Fanconi Anemia; Fanconi anemia, group A. Identifiers: Orphanet 84, MedGen C3469521, MONDO:0009215, OMIM 227650.

gnomAD v4.1: 1 of 1,591,338 alleles (0.000063%); highest among the groups gnomAD compares: Non-Finnish European, 0.000086%; no homozygotes.

Submissions (2):

Ambry Genetics
Classification: Uncertain significance for Inborn genetic diseases. Last evaluated: 2026-05-01. Review status: criteria provided, single submitter. Criteria: Ambry Variant Classification Scheme 2023. Collection method: clinical testing. Allele origin: germline.
Comment: The p.M753I variant (also known as c.2259G>T), located in coding exon 25 of the FANCA gene, results from a G to T substitution at nucleotide position 2259. The methionine at codon 753 is replaced by isoleucine, an amino acid with highly similar properties. This amino acid position is conserved. In addition, this alteration is predicted to be tolerated by in silico analysis. Based on the available evidence, the clinical significance of this variant remains unclear.

Fulgent Genetics
Classification: Uncertain significance for Fanconi anemia complementation group A. Last evaluated: 2024-04-22. Review status: criteria provided, single submitter. Criteria: ACMG Guidelines, 2015. Collection method: clinical testing. Allele origin: germline.